The following is an entry in ClinVar:

NM_000083.3(CLCN1):c.434-2_434dup

Gene: CLCN1 (chloride voltage-gated channel 1; plus strand). Cytogenetic location: 7q34.
Variant type: Duplication.
Coding change: c.434-2_434dup on transcript NM_000083.3 (MANE Select); the canonical splice acceptor site of the intron before coding-DNA position 434 through coding-DNA position 434, 3 bases duplicated (AGC; older notation c.434-2_434dupAGC).
Molecular consequence: splice acceptor variant.
Genome position (GRCh38, 1-based): chr7:143,321,363-143,321,365, AGC duplicated; duplicating any 3 consecutive bases within chr7:143,321,361-143,321,365 gives the same sequence; the c. name uses the placement nearest the transcript's 3' end. VCF-style (leftmost placement, unchanged base first): chr7-143321360-C-CGCA. GRCh37 (hg19) VCF-style: chr7-143018453-C-CGCA.
Other names: c.434_435insAGC (NM_000083.3); c.434-2_434dupAGC (NM_000083.2, NM_000083.3).
Identifiers: ClinVar variation 462844 (VCV000462844.18), dbSNP rs753470655, ClinGen allele CA4536952.

ClinVar aggregate classification (germline): Conflicting classifications of pathogenicity. Review status: criteria provided, conflicting classifications (1 of 4 stars). 8 submissions from 8 submitters: Pathogenic (1); Likely pathogenic (4); Uncertain significance (2). 1 of the submissions does not count toward it. Last evaluated 2026-01-24.

Conditions:
Congenital myotonia, autosomal dominant form (THD). Also called: THOMSEN DISEASE; Myotonia congenita autosomal dominant. Identifiers: Orphanet 614, MedGen C2936781, MONDO:0008055, OMIM 160800.
Congenital myotonia, autosomal recessive form. Also called: BECKER DISEASE; Becker Generalized Myotonia; myotonia congenita, autosomal recessive. Identifiers: Orphanet 614, MedGen C0751360, MONDO:0009715, OMIM 255700.

Submissions (8):

Labcorp Genetics (formerly Invitae), Labcorp
Classification: Pathogenic for Congenital myotonia, autosomal recessive form; Congenital myotonia, autosomal dominant form. Last evaluated: 2026-01-24. Review status: criteria provided, single submitter. Criteria: Invitae Variant Classification Sherloc (09022015). Collection method: clinical testing. Allele origin: germline.
Comment: This variant, c.434-2_434dup, results in the insertion of 1 amino acid(s) of the CLCN1 protein (p.Ala145dup), but otherwise preserves the integrity of the reading frame. This variant is present in population databases (rs753470655, gnomAD 0.007%). This variant has been observed in individual(s) with clinical features of autosomal recessive myotonia congenita (PMID: 31544778; internal data). In at least one individual the data is consistent with being in trans (on the opposite chromosome) from a pathogenic variant. This variant has been reported in individual(s) with autosomal dominant myotonia congenita (PMID: 31544778); however, the role of the variant in this condition is currently unclear. This variant is also known as c.434-5_434-4insGCA. ClinVar contains an entry for this variant (Variation ID: 462844). Algorithms developed to predict the effect of sequence changes on RNA splicing suggest that this variant may disrupt the consensus splice site. For these reasons, this variant has been classified as Pathogenic.

Dasa
Classification: Likely pathogenic for myotonia congenita, autosomal recessive. Last evaluated: 2025-10-24. Review status: criteria provided, single submitter. Criteria: DASA Assertion Criteria. Collection method: clinical testing. Allele origin: germline.
Comment: NM_000083.3(CLCN1):c.434-2_434dup (p.Ala145dup) is a splice-region variant predicted to affect normal RNA splicing. This variant has been recurrently observed in individuals with CLCN1-related disorders (PMID: 31544778; PMID: 34529042). Also, this variant is rare in population databases. Based on the currently available evidence, this variant is classified as likely pathogenic.

Revvity Omics, Revvity
Classification: Uncertain significance. Last evaluated: 2025-06-22. Review status: criteria provided, single submitter. Criteria: ACMG Guidelines, 2015. Collection method: clinical testing. Allele origin: germline.

GeneDx
Classification: Uncertain significance. Last evaluated: 2025-02-12. Review status: criteria provided, single submitter. Criteria: GeneDx Variant Classification Process June 2021. Collection method: clinical testing. Allele origin: germline. Affected: yes.
Comment: Observed multiple times with a pathogenic variant in unrelated patients with myotonia congenita in published literature, but it is not known whether the variants occurred on the same (in cis) or on different (in trans) chromosomes in all cases (PMID: 34529042); Observed as heterozygous variant in one patient with muscular hypertrophy and warm-up phenomenon and also observed with a pathogenic variant in a patient with myotonic runs on EMG in published literature. It is not known whether the variants occurred on the same (in cis) or on different (in trans) chromosomes. (PMID: 31544778); Canonical splice site variant with an unclear effect on protein function; Not observed at significant frequency in large population cohorts (gnomAD); Also known as c.434-5insGCA; This variant is associated with the following publications: (PMID: 31544778, 34529042)

Fulgent Genetics
Classification: Likely pathogenic for Congenital myotonia, autosomal dominant form; Congenital myotonia, autosomal recessive form. Last evaluated: 2024-03-23. Review status: criteria provided, single submitter. Criteria: ACMG Guidelines, 2015. Collection method: clinical testing. Allele origin: germline.

Women's Health and Genetics/Laboratory Corporation of America, LabCorp
Classification: Likely pathogenic for Congenital myotonia, autosomal recessive form. Last evaluated: 2023-12-15. Review status: criteria provided, single submitter. Criteria: LabCorp Variant Classification Summary - May 2015. Collection method: clinical testing. Allele origin: germline.
Comment: Variant summary: CLCN1 c.434-2_434dupAGC is located in a canonical splice-site and is predicted to affect mRNA splicing resulting in a significantly altered protein due to either exon skipping, shortening, or inclusion of intronic material. Several computational tools predict a significant impact on normal splicing: Two predict the variant weakens a 3 acceptor site. However, these predictions have yet to be confirmed by functional studies. The variant allele was found at a frequency of 2.4e-05 in 251114 control chromosomes. c.434-2_434dupAGC has been reported in the literature in individuals affected with Myotonia congenita. These data indicate that the variant is likely to be associated with disease. To our knowledge, no experimental evidence demonstrating an impact on protein function has been reported. The following publications have been ascertained in the context of this evaluation (PMID: 31544778, 34529042). Four submitters have cited clinical-significance assessments for this variant to ClinVar after 2014. Multiple submitters reported the variant with conflicting assessments (likely pathogenic n=2, VUS n=2). Based on the evidence outlined above, the variant was classified as likely pathogenic.

Athena Diagnostics
Classification: Likely pathogenic. Last evaluated: 2022-04-04. Review status: criteria provided, single submitter. Criteria: Athena Diagnostics Criteria. Collection method: clinical testing. Allele origin: unknown.
Comment: The frequency of this variant in the general population is consistent with pathogenicity. In our internal patient population, this variant is statistically more frequent than in the general population, which is weak evidence this variant may be disease causing. This variant has been seen heterozygous and compound heterozygous in at least one individual with clinical features associated with this gene. This variant is also referred to as c.434-5_434-4insGCA in published literature. In multiple individuals, this variant has been seen with a single recessive pathogenic variant in the same gene, suggesting this variant may also be pathogenic. Computational tools yielded predictions that this variant is unlikely to have an effect on normal RNA splicing.

MGZ Medical Genetics Center
Classification: Uncertain significance for Congenital myotonia, autosomal recessive form. Last evaluated: 2022-07-12. Review status: flagged submission. Criteria: ACMG Guidelines, 2015. Collection method: clinical testing. Allele origin: germline. Affected: yes. Observed: 1 variant allele. Not counted in ClinVar's aggregate classification.
Comment: ACMG criteria applied: PM3, PM4, PM2_SUP
ClinVar note: Reason: Claim with insufficient supporting evidence

Literature cited by the submitters: PubMed 31544778 (cited by 4 submitters); PubMed 34529042 (cited by Dasa and Women's Health and Genetics/Laboratory Corporation of America, LabCorp).